The following is an entry in ClinVar:

ClinVar aggregate classification (germline): Uncertain significance. Review status: criteria provided, multiple submitters, no conflicts (2 of 4 stars). 2 submissions from 2 submitters: Uncertain significance (2). Last evaluated 2025-11-20.

Conditions:
Inborn genetic diseases. Identifiers: MedGen C0950123, MeSH D030342.

Allele frequency attached by ClinVar (database versions not stated): ExAC 0.00002; gnomAD exomes 0.00002; gnomAD 0.00004; TOPMed 0.00007; ESP Exome Variant Server 0.00008; 1000 Genomes Project 30x 0.00016; 1000 Genomes Project 0.00020.
gnomAD v4.1: 35 of 1,613,930 alleles (0.0022%); highest among the groups gnomAD compares: Middle Eastern, 0.017%; no homozygotes.

Submissions (2):

Ambry Genetics
Classification: Uncertain significance for Inborn genetic diseases. Last evaluated: 2025-11-20. Review status: criteria provided, single submitter. Criteria: Ambry Variant Classification Scheme 2023. Collection method: clinical testing. Allele origin: germline.

Labcorp Genetics (formerly Invitae), Labcorp
Classification: Uncertain significance. Last evaluated: 2025-06-23. Review status: criteria provided, single submitter. Criteria: Invitae Variant Classification Sherloc (09022015). Collection method: clinical testing. Allele origin: germline.
Comment: This sequence change replaces lysine, which is basic and polar, with arginine, which is basic and polar, at codon 544 of the TRPM6 protein (p.Lys544Arg). This variant is present in population databases (rs151218216, gnomAD 0.004%). This variant has not been reported in the literature in individuals affected with TRPM6-related conditions. ClinVar contains an entry for this variant (Variation ID: 1919412). An algorithm developed to predict the effect of missense changes on protein structure and function (PolyPhen-2) suggests that this variant is likely to be tolerated. In summary, the available evidence is currently insufficient to determine the role of this variant in disease. Therefore, it has been classified as a Variant of Uncertain Significance.

NM_017662.5(TRPM6):c.1631A>G (p.Lys544Arg)

Gene: TRPM6 (transient receptor potential cation channel subfamily M member 6; minus strand). Cytogenetic location: 9q21.13.
Variant type: single nucleotide variant.
Coding change: c.1631A>G on transcript NM_017662.5 (MANE Select); coding-DNA position 1631, A replaced by G.
Protein change: p.Lys544Arg; replaces lysine 544 with arginine.
Molecular consequence: missense variant.
Genome position (GRCh38, 1-based): chr9:74,808,041, T>C on the plus strand (A>G on the coding strand, the complement: TRPM6 is on the minus strand). VCF-style: chr9-74808041-T-C. GRCh37 (hg19) VCF-style: chr9-77422957-T-C.
Other names: c.1631A>G (NM_017662.4); c.1616A>G, p.Lys539Arg (NM_001177310.2, NM_001177311.2); short protein forms K539R, K544R.
Identifiers: ClinVar variation 1919412 (VCV001919412.4), dbSNP rs151218216, ClinGen allele CA5084780.